The following is an entry in ClinVar:

NM_198253.3(TERT):c.3304C>G (p.Gln1102Glu)

Gene: TERT (telomerase reverse transcriptase; minus strand). Cytogenetic location: 5p15.33.
Variant type: single nucleotide variant.
Coding change: c.3304C>G on transcript NM_198253.3 (MANE Select); coding-DNA position 3304, C replaced by G.
Protein change: p.Gln1102Glu; replaces glutamine 1102 with glutamic acid.
Molecular consequence: missense variant. On other transcripts: non-coding transcript variant (2).
Genome position (GRCh38, 1-based): chr5:1,253,823, G>C on the plus strand (C>G on the coding strand, the complement: TERT is on the minus strand). VCF-style: chr5-1253823-G-C. GRCh37 (hg19) VCF-style: chr5-1253938-G-C.
Other names: c.3115C>G, p.Gln1039Glu (NM_001193376.3); c.3304C>G, p.Gln1102Glu (NM_003219.1); short protein forms Q1102E, Q1039E.
Identifiers: ClinVar variation 2950537 (VCV002950537.3), dbSNP rs1042447238, ClinGen allele CA359066888.

ClinVar aggregate classification (germline): Uncertain significance (1 of 4 stars; one submission).

Conditions:
Dyskeratosis congenita, autosomal dominant 2. Identifiers: MedGen C3151443, MONDO:0013521, OMIM 613989.
Idiopathic Pulmonary Fibrosis. Also called: Idiopathic fibrosing alveolitis, chronic form; idiopathic fibrosing alveolitis. Identifiers: Orphanet 2032, MedGen C1800706, MeSH D054990, MONDO:0800504.

gnomAD v4.1: 1 of 1,609,660 alleles (0.000062%); highest among the groups gnomAD compares: Non-Finnish European, 0.000085%; no homozygotes.

Submission:

Labcorp Genetics (formerly Invitae), Labcorp
Classification: Uncertain significance for Dyskeratosis congenita, autosomal dominant 2; Idiopathic Pulmonary Fibrosis. Last evaluated: 2023-08-01. Review status: criteria provided, single submitter. Criteria: Invitae Variant Classification Sherloc (09022015). Collection method: clinical testing. Allele origin: germline.
Comment: This sequence change replaces glutamine, which is neutral and polar, with glutamic acid, which is acidic and polar, at codon 1102 of the TERT protein (p.Gln1102Glu). In summary, the available evidence is currently insufficient to determine the role of this variant in disease. Therefore, it has been classified as a Variant of Uncertain Significance. Advanced modeling of protein sequence and biophysical properties (such as structural, functional, and spatial information, amino acid conservation, physicochemical variation, residue mobility, and thermodynamic stability) has been performed at Invitae for this missense variant, however the output from this modeling did not meet the statistical confidence thresholds required to predict the impact of this variant on TERT protein function. This variant has not been reported in the literature in individuals affected with TERT-related conditions. This variant is present in population databases (no rsID available, gnomAD 0.0009%).